The following is an entry in ClinVar:

NM_004329.3(BMPR1A):c.509T>C (p.Phe170Ser)

Gene: BMPR1A (bone morphogenetic protein receptor type 1A; plus strand). Cytogenetic location: 10q23.2.
Variant type: single nucleotide variant.
Coding change: c.509T>C on transcript NM_004329.3 (MANE Select); coding-DNA position 509, T replaced by C.
Protein change: p.Phe170Ser; replaces phenylalanine 170 with serine.
Molecular consequence: missense variant. On other transcripts: non-coding transcript variant (3), intron variant (1).
Genome position (GRCh38, 1-based): chr10:86,900,105, T>C. VCF-style: chr10-86900105-T-C. GRCh37 (hg19) VCF-style: chr10-88659862-T-C.
Other names: c.509T>C, p.Phe170Ser (NM_001406559.1, NM_001406560.1, NM_001406561.1 and 22 more transcripts); c.425T>C, p.Phe142Ser (NM_001406584.1, NM_001406585.1, NM_001406586.1 and 2 more transcripts); c.333+7876T>C (NM_001406589.1); short protein forms F142S, F170S.
Identifiers: ClinVar variation 4882484 (VCV004882484.2).
Genomic context (GRCh38, chr10:86,900,105, plus strand): 5'-GCATTCGATGGCTGGTTTTGCTCATTTCTATGGCTGTCTGCATAATTGCTATGATCATCT[T>C]CTCCAGCTGCTTTTGTTACAAGTAAGAAGATATTTATTTTGAAGCAAAATATTTTGTCAA-3'
Protein context (NP_004320.2, residues 160-180): MAVCIIAMII[Phe170Ser]SSCFCYKHYC

ClinVar aggregate classification (germline): Uncertain significance (1 of 4 stars; one submission).

Submission:

Dasa
Classification: Uncertain significance. Last evaluated: 2025-06-09. Review status: criteria provided, single submitter. Criteria: DASA Assertion Criteria. Collection method: clinical testing. Allele origin: germline.
Comment: NM_004329.3(BMPR1A):c.509T>C (p.Phe170Ser) is a missense variant that results in the substitution of phenylalanine with serine. This variant is absent from population databases. Computational prediction algorithms are consistent with a benign effect. The currently available literature and clinical evidence are not sufficient to establish a definitive association between this variant and the reported condition. Therefore, this variant is classified as a variant of uncertain significance.